The following is an entry in ClinVar:

ClinVar aggregate classification (germline): Pathogenic. Review status: reviewed by expert panel (3 of 4 stars). 2 submissions from 2 submitters: Pathogenic (1). 1 of the submissions does not count toward it. Last evaluated 2016-10-18.

Conditions:
Breast-ovarian cancer, familial, susceptibility to, 2 (BROVCA2). Also called: BRCA2 Hereditary Breast and Ovarian Cancer. Identifiers: Orphanet 145, MedGen C2675520, MONDO:0012933, OMIM 612555. Disease mechanism: loss of function.

Submissions (2):

Evidence-based Network for the Interpretation of Germline Mutant Alleles (ENIGMA)
Classification: Pathogenic for Breast-ovarian cancer, familial, susceptibility to, 2. Last evaluated: 2016-10-18. Review status: reviewed by expert panel. Criteria: ENIGMA BRCA1/2 Classification Criteria (2015). Collection method: curation. Allele origin: germline.
Comment: Variant allele predicted to encode a truncated non-functional protein.

Consortium of Investigators of Modifiers of BRCA1/2 (CIMBA), c/o University of Cambridge
Classification: Pathogenic for Breast-ovarian cancer, familial, susceptibility to, 2. Last evaluated: 2015-10-02. Review status: criteria provided, single submitter. Criteria: CIMBA Mutation Classification guidelines May 2016. Collection method: clinical testing. Allele origin: germline. Not counted in ClinVar's aggregate classification.

NM_000059.4(BRCA2):c.3171_3172del (p.Lys1058fs)

Gene: BRCA2 (BRCA2 DNA repair associated; plus strand). Cytogenetic location: 13q13.1.
Variant type: Deletion.
Coding change: c.3171_3172del on transcript NM_000059.4 (MANE Select); coding-DNA positions 3171 to 3172, 2 bases deleted (GA; older notation c.3171_3172delGA).
Protein change: p.Lys1058fs; shifts the reading frame from lysine 1058.
Molecular consequence: frameshift variant.
Genome position (GRCh38, 1-based): chr13:32,337,526-32,337,527, GA deleted; deleting any 2 consecutive bases within chr13:32,337,525-32,337,527 gives the same sequence; the c. name uses the placement nearest the transcript's 3' end. VCF-style (leftmost placement, unchanged base first): chr13-32337524-AAG-A. GRCh37 (hg19) VCF-style: chr13-32911661-AAG-A.
Other names: 3399delGA; short protein forms K1058fs.
Identifiers: ClinVar variation 266738 (VCV000266738.5), dbSNP rs886040463, ClinGen allele CA10589190.
Genomic context (GRCh38, chr13:32,337,524, plus strand): 5'-CAATATCCTACTAGTTTAGCTTGTGTTGAAATTGTAAATACCTTGGCATTAGATAATCAA[AAG>A]AAACTGAGCAAGCCTCAGTCAATTAATACTGTATCTGCACATTTACAGAGTAGTGTAGTT-3'